The following is an entry in ClinVar:

NM_002615.7(SERPINF1):c.609C>T (p.Ile203=)

Gene: SERPINF1 (serpin family F member 1; plus strand). Cytogenetic location: 17p13.3.
Variant type: single nucleotide variant.
Coding change: c.609C>T on transcript NM_002615.7 (MANE Select); coding-DNA position 609, C replaced by T.
Protein change: p.Ile203=; no amino-acid change (isoleucine 203 retained).
Molecular consequence: synonymous variant.
Genome position (GRCh38, 1-based): chr17:1,772,041, C>T. VCF-style: chr17-1772041-C-T. GRCh37 (hg19) VCF-style: chr17-1675335-C-T.
Other names: c.609C>T, p.Ile203= (NM_001329903.2); c.48C>T, p.Ile16= (NM_001329904.2, NM_001329905.2).
Identifiers: ClinVar variation 1702054 (VCV001702054.12), dbSNP rs765207911, ClinGen allele CA8274751.
Genomic context (GRCh38, chr17:1,772,041, plus strand): 5'-GGTGCAGGCGCAGATGAAAGGGAAGCTCGCCAGGTCCACAAAGGAAATTCCCGATGAGAT[C>T]AGCATTCTCCTTCTCGGTGTGGCGCACTTCAAGGGTGAGCGCGTCTCCAATTCTTTTTCA-3'
Protein context (NP_002606.3, residues 193-213): ARSTKEIPDE[Ile203=]SILLLGVAHF

ClinVar aggregate classification (germline): Conflicting classifications of pathogenicity. Review status: criteria provided, conflicting classifications (1 of 4 stars). 3 submissions from 3 submitters: Uncertain significance (1); Likely benign (1). 1 of the submissions does not count toward it. Last evaluated 2022-09-04.

Conditions:
SERPINF1-related disorder. Also called: SERPINF1-related condition.
Osteogenesis imperfecta (OI). Identifiers: Orphanet 666, MedGen C0029434, MeSH D010013, MONDO:0019019.

Allele frequency attached by ClinVar (database versions not stated): gnomAD exomes below 0.00001 and 0.00001; gnomAD 0.00001; ExAC 0.00002; TOPMed 0.00002.

Submissions (3):

Labcorp Genetics (formerly Invitae), Labcorp
Classification: Likely benign. Last evaluated: 2022-09-04. Review status: criteria provided, single submitter. Criteria: Invitae Variant Classification Sherloc (09022015). Collection method: clinical testing. Allele origin: germline.

Genome Diagnostics Laboratory, The Hospital for Sick Children
Classification: Uncertain significance for Osteogenesis imperfecta. Last evaluated: 2018-08-01. Review status: criteria provided, single submitter. Criteria: ACMG Guidelines, 2015. Collection method: clinical testing. Allele origin: germline.

PreventionGenetics, part of Exact Sciences
Classification: Likely benign for SERPINF1-related condition. Last evaluated: 2024-08-14. Review status: no assertion criteria provided. Collection method: clinical testing. Allele origin: germline. Not counted in ClinVar's aggregate classification.
Comment: This variant is classified as likely benign based on ACMG/AMP sequence variant interpretation guidelines (Richards et al. 2015 PMID: 25741868, with internal and published modifications).